The following is an entry in ClinVar:

ClinVar aggregate classification (germline): Uncertain significance (1 of 4 stars; one submission).

Conditions:
Charcot-Marie-Tooth disease type 2. Also called: Charcot-Marie-Tooth type 2. Identifiers: Orphanet 64746, MedGen C0270914, MONDO:0018993.

Submission:

Labcorp Genetics (formerly Invitae), Labcorp
Classification: Uncertain significance for Charcot-Marie-Tooth disease type 2. Last evaluated: 2021-02-15. Review status: criteria provided, single submitter. Criteria: Invitae Variant Classification Sherloc (09022015). Collection method: clinical testing. Allele origin: germline.
Comment: This sequence change replaces glutamine with glutamic acid at codon 690 of the MFN2 protein (p.Gln690Glu). The glutamine residue is highly conserved and there is a small physicochemical difference between glutamine and glutamic acid. This variant has not been reported in the literature in individuals with MFN2-related conditions. Algorithms developed to predict the effect of missense changes on protein structure and function are either unavailable or do not agree on the potential impact of this missense change (SIFT: "Deleterious"; PolyPhen-2: "Probably Damaging"; Align-GVGD: "Class C0"). Algorithms developed to predict the effect of sequence changes on RNA splicing suggest that this variant may disrupt the consensus splice site, but this prediction has not been confirmed by published transcriptional studies. In summary, the available evidence is currently insufficient to determine the role of this variant in disease. Therefore, it has been classified as a Variant of Uncertain Significance. This variant is not present in population databases (ExAC no frequency).

NM_014874.4(MFN2):c.2068C>G (p.Gln690Glu)

Gene: MFN2 (mitofusin 2; plus strand). Cytogenetic location: 1p36.22.
Variant type: single nucleotide variant.
Coding change: c.2068C>G on transcript NM_014874.4 (MANE Select); coding-DNA position 2068, C replaced by G.
Protein change: p.Gln690Glu; replaces glutamine 690 with glutamic acid.
Molecular consequence: missense variant.
Genome position (GRCh38, 1-based): chr1:12,007,248, C>G. VCF-style: chr1-12007248-C-G. GRCh37 (hg19) VCF-style: chr1-12067305-C-G.
Other names: c.2068C>G, p.Gln690Glu (NM_001127660.2); short protein forms Q690E.
Identifiers: ClinVar variation 842725 (VCV000842725.10), dbSNP rs1218249174, ClinGen allele CA338451801.